The following is an entry in ClinVar:

NM_002734.5(PRKAR1A):c.239A>T (p.Asp80Val)

Gene: PRKAR1A (protein kinase cAMP-dependent type I regulatory subunit alpha; plus strand). Cytogenetic location: 17q24.2.
Variant type: single nucleotide variant.
Coding change: c.239A>T on transcript NM_002734.5 (MANE Select); coding-DNA position 239, A replaced by T.
Protein change: p.Asp80Val; replaces aspartic acid 80 with valine.
Molecular consequence: missense variant.
Genome position (GRCh38, 1-based): chr17:68,522,817, A>T. VCF-style: chr17-68522817-A-T. GRCh37 (hg19) VCF-style: chr17-66518958-A-T.
Other names: c.239A>T, p.Asp80Val (NM_001276289.2, NM_001276290.1, NM_001278433.2 and 4 more transcripts); short protein forms D80V.
Identifiers: ClinVar variation 3783311 (VCV003783311.1).

ClinVar aggregate classification (germline): Uncertain significance (1 of 4 stars; one submission).

Conditions:
Hereditary cancer-predisposing syndrome. Also called: Neoplastic Syndromes, Hereditary; Hereditary Cancer Syndrome; Tumor predisposition; Hereditary neoplastic syndrome. Identifiers: Orphanet 140162, MedGen C0027672, MeSH D009386, MONDO:0015356.

gnomAD v4.1: 1 of 1,614,070 alleles (0.000062%); highest among the groups gnomAD compares: South Asian, 0.0011%; no homozygotes.

Submission:

Ambry Genetics
Classification: Uncertain significance for Hereditary cancer-predisposing syndrome. Last evaluated: 2025-02-08. Review status: criteria provided, single submitter. Criteria: Ambry Variant Classification Scheme 2023. Collection method: clinical testing. Allele origin: germline.
Comment: The p.D80V variant (also known as c.239A>T), located in coding exon 2 of the PRKAR1A gene, results from an A to T substitution at nucleotide position 239. The aspartic acid at codon 80 is replaced by valine, an amino acid with highly dissimilar properties. This amino acid position is conserved. In addition, the in silico prediction for this alteration is inconclusive. Based on the available evidence, the clinical significance of this variant remains unclear.